The following is an entry in ClinVar:

ClinVar aggregate classification (germline): Likely benign (1 of 4 stars; one submission).

Allele frequency attached by ClinVar (database versions not stated): gnomAD exomes below 0.00001.
gnomAD v4.1: 1 of 1,614,172 alleles (0.000062%); highest among the groups gnomAD compares: South Asian, 0.0011%; no homozygotes.

Submission:

GeneDx
Classification: Likely benign. Last evaluated: 2018-04-13. Review status: criteria provided, single submitter. Criteria: GeneDx Variant Classification (06012015). Collection method: clinical testing. Allele origin: germline. Affected: yes.
Comment: This variant is considered likely benign or benign based on one or more of the following criteria: it is a conservative change, it occurs at a poorly conserved position in the protein, it is predicted to be benign by multiple in silico algorithms, and/or has population frequency not consistent with disease.

NM_000363.5(TNNI3):c.594G>C (p.Leu198=)

Gene: TNNI3 (troponin I3, cardiac type; minus strand). Cytogenetic location: 19q13.42.
Variant type: single nucleotide variant.
Coding change: c.594G>C on transcript NM_000363.5 (MANE Select); coding-DNA position 594, G replaced by C.
Protein change: p.Leu198=; no amino-acid change (leucine 198 retained).
Molecular consequence: synonymous variant.
Genome position (GRCh38, 1-based): chr19:55,151,873, C>G on the plus strand (G>C on the coding strand, the complement: TNNI3 is on the minus strand). VCF-style: chr19-55151873-C-G. GRCh37 (hg19) VCF-style: chr19-55663241-C-G.
Identifiers: ClinVar variation 682159 (VCV000682159.1), dbSNP rs1599907577, ClinGen allele CA508989339.